The following is an entry in ClinVar:

NM_001369.3(DNAH5):c.6580-9dup

Gene: DNAH5 (dynein axonemal heavy chain 5; minus strand). Cytogenetic location: 5p15.2.
Variant type: Duplication.
Coding change: c.6580-9dup on transcript NM_001369.3 (MANE Select); 9 bases into the intron before coding-DNA position 6580, one base duplicated (T; older notation c.6580-9dupT).
Molecular consequence: intron variant.
Genome position (GRCh38, 1-based): chr5:13,823,373, A duplicated on the plus strand (T on the coding strand, the reverse complement: DNAH5 is on the minus strand); the first of 7 consecutive A bases (chr5:13,823,373-13,823,379); duplicating any one gives the same sequence. VCF-style (leftmost placement, unchanged base first): chr5-13823372-T-TA. GRCh37 (hg19) VCF-style: chr5-13823481-T-TA.
Other names: c.6580-3dupT (NM_001369.2).
Identifiers: ClinVar variation 1170189 (VCV001170189.10), dbSNP rs745608527, ClinGen allele CA3203341.
Genomic context (GRCh38, chr5:13,823,372, plus strand): 5'-AGAATATTTGGAAAGAGATCTTCAATCAAACTCAAAAACAAGGGTTCATCCTCATCAATC[T>TA]AAAAAAAGAAAATGGGAAATCAGACCAATTATTCTGGTATAAACATATCAATATGCAGAT-3'

ClinVar aggregate classification (germline): Benign/Likely benign. Review status: criteria provided, multiple submitters, no conflicts (2 of 4 stars). 2 submissions from 2 submitters: Benign (1); Likely benign (1). Last evaluated 2026-02-26.

Conditions:
DNAH5-related disorder. Also called: DNAH5-related condition.
Primary ciliary dyskinesia. Also called: Ciliary dyskinesia. Identifiers: Orphanet 244, MedGen C0008780, MONDO:0016575, HP:0012265.

Submissions (2):

PreventionGenetics, part of Exact Sciences
Classification: Likely benign for DNAH5-related condition. Last evaluated: 2026-02-26. Review status: criteria provided, single submitter. Criteria: ACMG Guidelines, 2015. Collection method: clinical testing. Allele origin: germline.
Comment: This variant is classified as likely benign based on ACMG/AMP sequence variant interpretation guidelines (Richards et al. 2015 PMID: 25741868, with internal and published modifications).

Labcorp Genetics (formerly Invitae), Labcorp
Classification: Benign for Primary ciliary dyskinesia. Last evaluated: 2024-05-29. Review status: criteria provided, single submitter. Criteria: Invitae Variant Classification Sherloc (09022015). Collection method: clinical testing. Allele origin: germline.